The following is an entry in ClinVar:

ClinVar aggregate classification (germline): Conflicting classifications of pathogenicity. Review status: criteria provided, conflicting classifications (1 of 4 stars). 2 submissions from 2 submitters: Uncertain significance (1); Likely benign (1). Last evaluated 2026-06-11.

Conditions:
TTN-related disorder. Also called: TTN-related condition; TTN-related disease; TTN-related disorders.

gnomAD v4.1: 34 of 1,613,754 alleles (0.0021%); highest among the groups gnomAD compares: Middle Eastern, 0.016%; no homozygotes.

Submissions (2):

PreventionGenetics, part of Exact Sciences
Classification: Uncertain significance for TTN-related condition. Last evaluated: 2026-06-11. Review status: criteria provided, single submitter. Criteria: ACMG Guidelines, 2015. Collection method: clinical testing. Allele origin: germline.
Comment: The TTN c.82540G>A variant is predicted to result in the amino acid substitution p.Val27514Ile. To our knowledge, this variant has not been reported in the literature. This variant is reported in 0.0065% of alleles in individuals of South Asian descent in gnomAD. At this time, the clinical significance of this variant is uncertain due to the absence of conclusive functional and genetic evidence.

Molecular Diagnostic Laboratory for Inherited Cardiovascular Disease, Montreal Heart Institute
Classification: Likely benign. Last evaluated: 2025-04-09. Review status: criteria provided, single submitter. Criteria: ACMG Guidelines, 2015. Collection method: clinical testing. Allele origin: germline. Affected: no.
Comment: BP1

NM_001267550.2(TTN):c.82540G>A (p.Val27514Ile)

Genes: TTN (titin; minus strand), TTN-AS1 (TTN antisense RNA 1; plus strand). Cytogenetic location: 2q31.2.
Variant type: single nucleotide variant.
Coding change: c.82540G>A on transcript NM_001267550.2 (MANE Select); coding-DNA position 82540, G replaced by A.
Protein change: p.Val27514Ile; replaces valine 27514 with isoleucine.
Molecular consequence: missense variant.
Genome position (GRCh38, 1-based): chr2:178,563,592, C>T on the plus strand (G>A on the coding strand, the complement: TTN is on the minus strand). VCF-style: chr2-178563592-C-T. GRCh37 (hg19) VCF-style: chr2-179428319-C-T.
Other names: c.77617G>A, p.Val25873Ile (NM_001256850.1); c.55345G>A, p.Val18449Ile (NM_003319.4); c.74836G>A, p.Val24946Ile (NM_133378.4); c.55720G>A, p.Val18574Ile (NM_133432.3); c.55921G>A, p.Val18641Ile (NM_133437.4); short protein forms V18449I, V18574I, V18641I, V24946I, V25873I, V27514I.
Identifiers: ClinVar variation 3895113 (VCV003895113.2), dbSNP rs745920301.